The following is an entry in ClinVar:

ClinVar aggregate classification (germline): Pathogenic (1 of 4 stars; one submission).

Submission:

GeneDx
Classification: Pathogenic. Last evaluated: 2025-01-29. Review status: criteria provided, single submitter. Criteria: GeneDx Variant Classification Process June 2021. Collection method: clinical testing. Allele origin: germline. Affected: yes.
Comment: Canonical splice site variant predicted to result in a null allele in a gene for which loss of function is a known mechanism of disease; Not observed at significant frequency in large population cohorts (gnomAD); Has not been previously published as pathogenic or benign to our knowledge

NM_001127222.2(CACNA1A):c.1669-2A>G

Gene: CACNA1A (calcium voltage-gated channel subunit alpha1 A; minus strand). Cytogenetic location: 19p13.13.
Variant type: single nucleotide variant.
Coding change: c.1669-2A>G on transcript NM_001127222.2 (MANE Select); the canonical splice acceptor site of the intron before coding-DNA position 1669, A replaced by G.
Molecular consequence: splice acceptor variant.
Genome position (GRCh38, 1-based): chr19:13,308,530, T>C on the plus strand (A>G on the coding strand, the complement: CACNA1A is on the minus strand). VCF-style: chr19-13308530-T-C. GRCh37 (hg19) VCF-style: chr19-13419344-T-C.
Other names: c.1672-2A>G (NM_001127221.2, NM_001174080.2, NM_000068.4 and 1 more transcripts).
Identifiers: ClinVar variation 4072462 (VCV004072462.1).